The following is an entry in ClinVar:

ClinVar aggregate classification (germline): Likely benign. Review status: criteria provided, single submitter (1 of 4 stars). 2 submissions from 2 submitters: Likely benign (1). 1 of the submissions does not count toward it. Last evaluated 2019-12-31.

Conditions:
LRPAP1-related disorder. Also called: LRPAP1-related condition.

Allele frequency attached by ClinVar (database versions not stated): ExAC below 0.00001; gnomAD 0.00001; TOPMed 0.00003.
gnomAD v4.1: 40 of 1,572,632 alleles (0.0025%); highest among the groups gnomAD compares: East Asian, 0.016%; 2 homozygotes.

Submissions (2):

Labcorp Genetics (formerly Invitae), Labcorp
Classification: Likely benign. Last evaluated: 2019-12-31. Review status: criteria provided, single submitter. Criteria: Invitae Variant Classification Sherloc (09022015). Collection method: clinical testing. Allele origin: germline.

PreventionGenetics, part of Exact Sciences
Classification: Likely benign for LRPAP1-related condition. Last evaluated: 2019-03-27. Review status: no assertion criteria provided. Collection method: clinical testing. Allele origin: germline. Not counted in ClinVar's aggregate classification.
Comment: This variant is classified as likely benign based on ACMG/AMP sequence variant interpretation guidelines (Richards et al. 2015 PMID: 25741868, with internal and published modifications).

NM_002337.4(LRPAP1):c.9G>C (p.Pro3=)

Genes: LRPAP1 (LDL receptor related protein associated protein 1; minus strand), LOC129992120 (ATAC-STARR-seq lymphoblastoid active region 21225; plus strand). Cytogenetic location: 4p16.3.
Variant type: single nucleotide variant.
Coding change: c.9G>C on transcript NM_002337.4 (MANE Select); coding-DNA position 9, G replaced by C.
Protein change: p.Pro3=; no amino-acid change (proline 3 retained).
Molecular consequence: synonymous variant.
Genome position (GRCh38, 1-based): chr4:3,532,404, C>G on the plus strand (G>C on the coding strand, the complement: LRPAP1 is on the minus strand). VCF-style: chr4-3532404-C-G. GRCh37 (hg19) VCF-style: chr4-3534131-C-G.
Identifiers: ClinVar variation 755495 (VCV000755495.6), dbSNP rs374848233, ClinGen allele CA2830213.